The following is an entry in ClinVar:

NM_001035.3(RYR2):c.4688T>C (p.Val1563Ala)

Gene: RYR2 (ryanodine receptor 2; plus strand). Cytogenetic location: 1q43.
Variant type: single nucleotide variant.
Coding change: c.4688T>C on transcript NM_001035.3 (MANE Select); coding-DNA position 4688, T replaced by C.
Protein change: p.Val1563Ala; replaces valine 1563 with alanine.
Molecular consequence: missense variant.
Genome position (GRCh38, 1-based): chr1:237,610,766, T>C. VCF-style: chr1-237610766-T-C. GRCh37 (hg19) VCF-style: chr1-237774066-T-C.
Other names: short protein forms V1563A.
Identifiers: ClinVar variation 2875560 (VCV002875560.3), dbSNP rs2546765531, ClinGen allele CA345402176.
Genomic context (GRCh38, chr1:237,610,766, plus strand): 5'-TGTGAACCCCAAGGGATGTTCTACATTTATTCTTTTTCTGCCTCCCCATCCGCTAGAATG[T>C]GATGCCTCTCTCGGCGGGATTATTCAAGAGTGAGCACAAGAACCCCGTGCCGCAGTGCCC-3'
Protein context (NP_001026.2, residues 1553-1573): FQFELGRIKN[Val1563Ala]MPLSAGLFKS

ClinVar aggregate classification (germline): Uncertain significance (1 of 4 stars; one submission).

Conditions:
Catecholaminergic polymorphic ventricular tachycardia 1. Also called: RYR2-Related Catecholaminergic Polymorphic Ventricular Tachycardia; VENTRICULAR TACHYCARDIA, CATECHOLAMINERGIC POLYMORPHIC, 1, WITH OR WITHOUT ATRIAL DYSFUNCTION AND/OR DILATED CARDIOMYOPATHY; VENTRICULAR TACHYCARDIA, STRESS-INDUCED POLYMORPHIC 1. Identifiers: Orphanet 3286, MedGen C1631597, MONDO:0011484, OMIM 604772.

Submission:

Labcorp Genetics (formerly Invitae), Labcorp
Classification: Uncertain significance for Catecholaminergic polymorphic ventricular tachycardia 1. Last evaluated: 2023-01-26. Review status: criteria provided, single submitter. Criteria: Invitae Variant Classification Sherloc (09022015). Collection method: clinical testing. Allele origin: germline.
Comment: This variant has not been reported in the literature in individuals affected with RYR2-related conditions. This variant is not present in population databases (gnomAD no frequency). This sequence change replaces valine, which is neutral and non-polar, with alanine, which is neutral and non-polar, at codon 1563 of the RYR2 protein (p.Val1563Ala). In summary, the available evidence is currently insufficient to determine the role of this variant in disease. Therefore, it has been classified as a Variant of Uncertain Significance. Advanced modeling of protein sequence and biophysical properties (such as structural, functional, and spatial information, amino acid conservation, physicochemical variation, residue mobility, and thermodynamic stability) performed at Invitae indicates that this missense variant is not expected to disrupt RYR2 protein function.